The following is an entry in ClinVar:

ClinVar aggregate classification (germline): Uncertain significance (1 of 4 stars; one submission).

Conditions:
Intellectual developmental disorder, autosomal dominant 1. Also called: MBD5 Haploinsufficiency; Intellectual disability, autosomal dominant 1. Identifiers: Orphanet 228402, MedGen C1969562, MONDO:0007974, OMIM 156200.

Allele frequency attached by ClinVar (database versions not stated): gnomAD exomes below 0.00001; TOPMed below 0.00001; ExAC 0.00001.
gnomAD v4.1: 1 of 1,614,200 alleles (0.000062%); highest among the groups gnomAD compares: African/African-American, 0.0013%; no homozygotes.

Submission:

Labcorp Genetics (formerly Invitae), Labcorp
Classification: Uncertain significance for Intellectual developmental disorder, autosomal dominant 1. Last evaluated: 2023-04-12. Review status: criteria provided, single submitter. Criteria: Invitae Variant Classification Sherloc (09022015). Collection method: clinical testing. Allele origin: germline.
Comment: This sequence change replaces lysine, which is basic and polar, with arginine, which is basic and polar, at codon 1331 of the MBD5 protein (p.Lys1331Arg). In summary, the available evidence is currently insufficient to determine the role of this variant in disease. Therefore, it has been classified as a Variant of Uncertain Significance. Experimental studies and prediction algorithms are not available or were not evaluated, and the functional significance of this variant is currently unknown. This variant is present in population databases (rs750532603, gnomAD 0.007%). This variant has not been reported in the literature in individuals affected with MBD5-related conditions.

NM_001378120.1(MBD5):c.4691A>G (p.Lys1564Arg)

Gene: MBD5 (methyl-CpG binding domain protein 5; plus strand). Cytogenetic location: 2q23.1.
Variant type: single nucleotide variant.
Coding change: c.4691A>G on transcript NM_001378120.1 (MANE Select); coding-DNA position 4691, A replaced by G.
Protein change: p.Lys1564Arg; replaces lysine 1564 with arginine.
Molecular consequence: missense variant.
Genome position (GRCh38, 1-based): chr2:148,490,323, A>G. VCF-style: chr2-148490323-A-G. GRCh37 (hg19) VCF-style: chr2-149247892-A-G.
Other names: c.3992A>G, p.Lys1331Arg (NM_018328.5); short protein forms K1564R, K1331R.
Identifiers: ClinVar variation 2892761 (VCV002892761.3), dbSNP rs750532603, ClinGen allele CA1900455.
Genomic context (GRCh38, chr2:148,490,323, plus strand): 5'-ACCTGGTCCTAGAGGAGCAGTCTCCAAGTTCCTCAAATAGTTTGGAAAATTCTCTGGTCA[A>G]AGACTACATCCATTACAATGGAGACTTTAATGCCAAAAGCGTTAATGGGTGTGTGCCTAG-3'
Protein context (NP_001365049.1, residues 1554-1574): SSNSLENSLV[Lys1564Arg]DYIHYNGDFN